The following is an entry in ClinVar:

NM_001025356.3(ANO6):c.569G>A (p.Arg190Gln)

Gene: ANO6 (anoctamin 6; plus strand). Cytogenetic location: 12q12.
Variant type: single nucleotide variant.
Coding change: c.569G>A on transcript NM_001025356.3 (MANE Select); coding-DNA position 569, G replaced by A.
Protein change: p.Arg190Gln; replaces arginine 190 with glutamine.
Molecular consequence: missense variant.
Genome position (GRCh38, 1-based): chr12:45,348,251, G>A. VCF-style: chr12-45348251-G-A. GRCh37 (hg19) VCF-style: chr12-45742034-G-A.
Other names: c.515G>A, p.Arg172Gln (NM_001142678.2); c.569G>A, p.Arg190Gln (NM_001142679.2); c.632G>A, p.Arg211Gln (NM_001204803.2); c.536G>A, p.Arg179Gln (NM_001410973.1); short protein forms R172Q, R179Q, R190Q, R211Q.
Identifiers: ClinVar variation 2415374 (VCV002415374.4), dbSNP rs201794979, ClinGen allele CA6525019.

ClinVar aggregate classification (germline): Uncertain significance (1 of 4 stars; one submission).

Allele frequency attached by ClinVar (database versions not stated): gnomAD exomes 0.00002; TOPMed 0.00004; gnomAD 0.00005; ExAC 0.00006; 1000 Genomes Project 0.00040; 1000 Genomes Project 30x 0.00078.
gnomAD v4.1: 38 of 1,614,014 alleles (0.0024%); highest among the groups gnomAD compares: East Asian, 0.045%; no homozygotes.

Submission:

Labcorp Genetics (formerly Invitae), Labcorp
Classification: Uncertain significance. Last evaluated: 2022-08-16. Review status: criteria provided, single submitter. Criteria: Invitae Variant Classification Sherloc (09022015). Collection method: clinical testing. Allele origin: germline.
Comment: In summary, the available evidence is currently insufficient to determine the role of this variant in disease. Therefore, it has been classified as a Variant of Uncertain Significance. Algorithms developed to predict the effect of missense changes on protein structure and function are either unavailable or do not agree on the potential impact of this missense change (SIFT: "Deleterious"; PolyPhen-2: "Possibly Damaging"; Align-GVGD: "Class C0"). This variant has not been reported in the literature in individuals affected with ANO6-related conditions. This variant is present in population databases (rs201794979, gnomAD 0.07%). This sequence change replaces arginine, which is basic and polar, with glutamine, which is neutral and polar, at codon 190 of the ANO6 protein (p.Arg190Gln).